The following is an entry in ClinVar:

ClinVar aggregate classification (germline): Benign (1 of 4 stars; one submission).

Conditions:
Hereditary spastic paraplegia 4. Also called: Spastic paraplegia 4, autosomal dominant; Spastic Paraplegia 4; Familial spastic paraplegia autosomal dominant 2. Identifiers: Orphanet 100985, MedGen C1866855, MONDO:0008438, OMIM 182601.

Allele frequency attached by ClinVar (database versions not stated): TOPMed 0.00333; gnomAD 0.00431 and 0.00495; 1000 Genomes Project 0.00459; 1000 Genomes Project 30x 0.00468.

Submission:

Illumina Laboratory Services, Illumina
Classification: Benign for Hereditary spastic paraplegia 4. Last evaluated: 2018-01-12. Review status: criteria provided, single submitter. Criteria: ICSL Variant Classification Criteria 13 December 2019. Collection method: clinical testing. Allele origin: germline.
Comment: This variant was observed in the ICSL laboratory as part of a predisposition screen in an ostensibly healthy population. It had not been previously curated by ICSL or reported in the Human Gene Mutation Database (HGMD: prior to June 1st, 2018), and was therefore a candidate for classification through an automated scoring system. Utilizing variant allele frequency, disease prevalence and penetrance estimates, and inheritance mode, an automated score was calculated to assess if this variant is too frequent to cause the disease. Based on the score and internal cut-off values, a variant classified as benign is not then subjected to further curation. The score for this variant resulted in a classification of benign for this disease.

NM_014946.4(SPAST):c.*2589T>G

Gene: SPAST (spastin; plus strand). Cytogenetic location: 2p22.3.
Variant type: single nucleotide variant.
Coding change: c.*2589T>G on transcript NM_014946.4 (MANE Select); 2589 bases downstream of the stop codon, T replaced by G.
Molecular consequence: 3 prime UTR variant.
Genome position (GRCh38, 1-based): chr2:32,157,085, T>G. VCF-style: chr2-32157085-T-G. GRCh37 (hg19) VCF-style: chr2-32382154-T-G.
Other names: c.*2589T>G (NM_001363823.2, NM_001363875.2, NM_199436.2); c.*2713T>G (NM_001377959.1).
Identifiers: ClinVar variation 335885 (VCV000335885.5), dbSNP rs149425698, ClinGen allele CA10613756.